The following is an entry in ClinVar:

NM_001083614.2(EARS2):c.486-5A>T

Gene: EARS2 (glutamyl-tRNA synthetase 2, mitochondrial; minus strand). Cytogenetic location: 16p12.2.
Variant type: single nucleotide variant.
Coding change: c.486-5A>T on transcript NM_001083614.2 (MANE Select); 5 bases into the intron before coding-DNA position 486, A replaced by T.
Molecular consequence: intron variant.
Genome position (GRCh38, 1-based): chr16:23,535,365, T>A on the plus strand (A>T on the coding strand, the complement: EARS2 is on the minus strand). VCF-style: chr16-23535365-T-A. GRCh37 (hg19) VCF-style: chr16-23546686-T-A.
Other names: c.486-5A>T (NM_001308211.1).
Identifiers: ClinVar variation 4874916 (VCV004874916.2).

ClinVar aggregate classification (germline): Uncertain significance (1 of 4 stars; one submission).

Submission:

CeGaT Center for Human Genetics Tuebingen
Classification: Uncertain significance. Last evaluated: 2026-05-01. Review status: criteria provided, single submitter. Criteria: CeGaT Center For Human Genetics Tuebingen Variant Classification Criteria Version 2. Collection method: clinical testing. Allele origin: germline. Affected: yes. Observed: 1 variant allele.
Comment: EARS2: PM2, BP4